The following is an entry in ClinVar:

ClinVar aggregate classification (germline): Uncertain significance (1 of 4 stars; one submission).

Conditions:
Severe combined immunodeficiency due to DNA-PKcs deficiency. Also called: IMMUNODEFICIENCY 26 WITH NEUROLOGIC ABNORMALITIES; Immunodeficiency 26 with or without neurologic abnormalities. Identifiers: Orphanet 317425, MedGen C4014833, MONDO:0014423, OMIM 615966.

Allele frequency attached by ClinVar (database versions not stated): gnomAD exomes 0.00001; TOPMed 0.00001.
gnomAD v4.1: 7 of 1,613,900 alleles (0.00043%); highest among the groups gnomAD compares: Non-Finnish European, 0.00051%; no homozygotes.

Submission:

Labcorp Genetics (formerly Invitae), Labcorp
Classification: Uncertain significance for Severe combined immunodeficiency due to DNA-PKcs deficiency. Last evaluated: 2022-02-05. Review status: criteria provided, single submitter. Criteria: Invitae Variant Classification Sherloc (09022015). Collection method: clinical testing. Allele origin: germline.
Comment: This variant is not present in population databases (gnomAD no frequency). In summary, the available evidence is currently insufficient to determine the role of this variant in disease. Therefore, it has been classified as a Variant of Uncertain Significance. Experimental studies and prediction algorithms are not available or were not evaluated, and the functional significance of this variant is currently unknown. ClinVar contains an entry for this variant (Variation ID: 1023701). This variant has not been reported in the literature in individuals affected with PRKDC-related conditions. This sequence change replaces proline, which is neutral and non-polar, with leucine, which is neutral and non-polar, at codon 2575 of the PRKDC protein (p.Pro2575Leu).

NM_006904.7(PRKDC):c.7724C>T (p.Pro2575Leu)

Gene: PRKDC (protein kinase, DNA-activated, catalytic subunit; minus strand). Cytogenetic location: 8q11.21.
Variant type: single nucleotide variant.
Coding change: c.7724C>T on transcript NM_006904.7 (MANE Select); coding-DNA position 7724, C replaced by T.
Protein change: p.Pro2575Leu; replaces proline 2575 with leucine.
Molecular consequence: missense variant.
Genome position (GRCh38, 1-based): chr8:47,837,249, G>A on the plus strand (C>T on the coding strand, the complement: PRKDC is on the minus strand). VCF-style: chr8-47837249-G-A. GRCh37 (hg19) VCF-style: chr8-48749810-G-A.
Other names: c.7724C>T, p.Pro2575Leu (NM_001081640.2); short protein forms P2575L.
Identifiers: ClinVar variation 1023701 (VCV001023701.6), dbSNP rs1234764397, ClinGen allele CA371152541.